The following is an entry in ClinVar:

ClinVar aggregate classification (germline): Pathogenic/Likely pathogenic. Review status: criteria provided, multiple submitters, no conflicts (2 of 4 stars). 2 submissions from 2 submitters: Pathogenic (1); Likely pathogenic (1). Last evaluated 2025-06-07.

Submissions (2):

GeneDx
Classification: Pathogenic. Last evaluated: 2025-06-07. Review status: criteria provided, single submitter. Criteria: GeneDx Variant Classification Process June 2021. Collection method: clinical testing. Allele origin: germline. Affected: yes.
Comment: Frameshift variant predicted to result in abnormal protein length as the last 216 amino acid(s) are replaced with 13 different amino acid(s), and other similar variants have been reported in HGMD; Not observed at significant frequency in large population cohorts (gnomAD); This variant is associated with the following publications: (PMID: 33851505, 31358114, 26631803)

CeGaT Center for Human Genetics Tuebingen
Classification: Likely pathogenic. Last evaluated: 2024-08-01. Review status: criteria provided, single submitter. Criteria: CeGaT Center For Human Genetics Tuebingen Variant Classification Criteria Version 2. Collection method: clinical testing. Allele origin: germline. Affected: yes. Observed: 1 variant allele.
Comment: SOX18: PS2, PM2, PS4:Supporting

NM_018419.3(SOX18):c.492_505dup (p.Glu169fs)

Gene: SOX18 (SRY-box transcription factor 18; minus strand). Cytogenetic location: 20q13.33.
Variant type: Duplication.
Coding change: c.492_505dup on transcript NM_018419.3 (MANE Select); coding-DNA positions 492 to 505, 14 bases duplicated (GGCCCGGCGGCTGG).
Protein change: p.Glu169fs; shifts the reading frame from glutamic acid 169.
Molecular consequence: frameshift variant.
Genome position (GRCh38, 1-based): chr20:64,048,816-64,048,829, CCAGCCGCCGGGCC duplicated on the plus strand (GGCCCGGCGGCTGG on the coding strand, the reverse complement: SOX18 is on the minus strand). VCF-style (leftmost placement, unchanged base first): chr20-64048815-T-TCCAGCCGCCGGGCC. GRCh37 (hg19) VCF-style: chr20-62680168-T-TCCAGCCGCCGGGCC.
Other names: c.492_505dup (NM_018419.2); short protein forms E169fs.
Identifiers: ClinVar variation 3342127 (VCV003342127.16).